The following is an entry in ClinVar:

NM_004946.3(DOCK2):c.2617G>A (p.Asp873Asn)

Gene: DOCK2 (dedicator of cytokinesis 2; plus strand). Cytogenetic location: 5q35.1.
Variant type: single nucleotide variant.
Coding change: c.2617G>A on transcript NM_004946.3 (MANE Select); coding-DNA position 2617, G replaced by A.
Protein change: p.Asp873Asn; replaces aspartic acid 873 with asparagine.
Molecular consequence: missense variant. On other transcripts: non-coding transcript variant (1).
Genome position (GRCh38, 1-based): chr5:169,803,120, G>A. VCF-style: chr5-169803120-G-A. GRCh37 (hg19) VCF-style: chr5-169230124-G-A.
Other names: short protein forms D873N.
Identifiers: ClinVar variation 2070201 (VCV002070201.4), dbSNP rs2533047111, ClinGen allele CA362197633.

ClinVar aggregate classification (germline): Uncertain significance (1 of 4 stars; one submission).

Conditions:
DOCK2 deficiency. Also called: Immunodeficiency 40. Identifiers: Orphanet 447737, MedGen C4225328, MONDO:0014637, OMIM 616433.

Submission:

Labcorp Genetics (formerly Invitae), Labcorp
Classification: Uncertain significance for DOCK2 deficiency. Last evaluated: 2022-01-13. Review status: criteria provided, single submitter. Criteria: Invitae Variant Classification Sherloc (09022015). Collection method: clinical testing. Allele origin: germline.
Comment: In summary, the available evidence is currently insufficient to determine the role of this variant in disease. Therefore, it has been classified as a Variant of Uncertain Significance. Algorithms developed to predict the effect of missense changes on protein structure and function (SIFT, PolyPhen-2, Align-GVGD) all suggest that this variant is likely to be tolerated. This variant has not been reported in the literature in individuals affected with DOCK2-related conditions. This variant is not present in population databases (gnomAD no frequency). This sequence change replaces aspartic acid, which is acidic and polar, with asparagine, which is neutral and polar, at codon 873 of the DOCK2 protein (p.Asp873Asn).